The following is an entry in ClinVar:

ClinVar aggregate classification (germline): Uncertain significance (1 of 4 stars; one submission).

Conditions:
Congenital disorder of glycosylation type 1E (CDG1E). Also called: CONGENITAL DISORDER OF GLYCOSYLATION, TYPE Ie; CDG Ie. Identifiers: Orphanet 79322, MedGen C1837396, MONDO:0012123, OMIM 608799.

Allele frequency attached by ClinVar (database versions not stated): ExAC 0.00001; gnomAD exomes 0.00001; gnomAD 0.00002; TOPMed 0.00003; ESP Exome Variant Server 0.00008.
gnomAD v4.1: 5 of 1,613,944 alleles (0.00031%); highest among the groups gnomAD compares: African/African-American, 0.0067%; no homozygotes.

Submission:

Labcorp Genetics (formerly Invitae), Labcorp
Classification: Uncertain significance for Congenital disorder of glycosylation type 1E. Last evaluated: 2022-07-06. Review status: criteria provided, single submitter. Criteria: Invitae Variant Classification Sherloc (09022015). Collection method: clinical testing. Allele origin: germline.
Comment: Algorithms developed to predict the effect of missense changes on protein structure and function are either unavailable or do not agree on the potential impact of this missense change (SIFT: "Deleterious"; PolyPhen-2: "Possibly Damaging"; Align-GVGD: "Class C0"). ClinVar contains an entry for this variant (Variation ID: 464498). This variant has not been reported in the literature in individuals affected with DPM1-related conditions. This variant is present in population databases (rs369939483, gnomAD 0.02%). This sequence change replaces arginine, which is basic and polar, with serine, which is neutral and polar, at codon 37 of the DPM1 protein (p.Arg37Ser). In summary, the available evidence is currently insufficient to determine the role of this variant in disease. Therefore, it has been classified as a Variant of Uncertain Significance.

NM_003859.3(DPM1):c.109C>A (p.Arg37Ser)

Genes: DPM1 (dolichyl-phosphate mannosyltransferase subunit 1, catalytic; minus strand), LOC130066166 (ATAC-STARR-seq lymphoblastoid active region 18108; plus strand). Cytogenetic location: 20q13.13.
Variant type: single nucleotide variant.
Coding change: c.109C>A on transcript NM_003859.3 (MANE Select); coding-DNA position 109, C replaced by A.
Protein change: p.Arg37Ser; replaces arginine 37 with serine.
Molecular consequence: missense variant. On other transcripts: non-coding transcript variant (1).
Genome position (GRCh38, 1-based): chr20:50,958,415, G>T on the plus strand (C>A on the coding strand, the complement: DPM1 is on the minus strand). VCF-style: chr20-50958415-G-T. GRCh37 (hg19) VCF-style: chr20-49574952-G-T.
Other names: c.109C>A, p.Arg37Ser (NM_001317034.1, NM_001317035.1, NM_001317036.1); short protein forms R37S.
Identifiers: ClinVar variation 464498 (VCV000464498.8), dbSNP rs369939483, ClinGen allele CA9909238.